The following is an entry in ClinVar:

NM_153460.4(IL17RC):c.883C>A (p.Arg295Ser)

Gene: IL17RC (interleukin 17 receptor C; plus strand). Cytogenetic location: 3p25.3.
Variant type: single nucleotide variant.
Coding change: c.883C>A on transcript NM_153460.4 (MANE Select); coding-DNA position 883, C replaced by A.
Protein change: p.Arg295Ser; replaces arginine 295 with serine.
Molecular consequence: missense variant. On other transcripts: non-coding transcript variant (1).
Genome position (GRCh38, 1-based): chr3:9,928,310, C>A. VCF-style: chr3-9928310-C-A. GRCh37 (hg19) VCF-style: chr3-9969994-C-A.
Other names: c.883C>A, p.Arg295Ser (NM_001203263.2, NM_001203264.2); c.838C>A, p.Arg280Ser (NM_001203265.2, NM_001367280.1, NM_032732.6); c.844C>A, p.Arg282Ser (NM_001367278.1); c.763C>A, p.Arg255Ser (NM_001367279.1); c.1096C>A, p.Arg366Ser (NM_153461.4); short protein forms R295S, R282S, R255S, R280S, R366S.
Identifiers: ClinVar variation 1500288 (VCV001500288.8), dbSNP rs199673084, ClinGen allele CA351761269.

ClinVar aggregate classification (germline): Uncertain significance (1 of 4 stars; one submission).

Conditions:
Candidiasis, familial, 9 (CANDF9). Identifiers: Orphanet 1334, MedGen C4225324, MONDO:0014642, OMIM 616445.

Submission:

Labcorp Genetics (formerly Invitae), Labcorp
Classification: Uncertain significance for Candidiasis, familial, 9. Last evaluated: 2022-09-01. Review status: criteria provided, single submitter. Criteria: Invitae Variant Classification Sherloc (09022015). Collection method: clinical testing. Allele origin: germline.
Comment: ClinVar contains an entry for this variant (Variation ID: 1500288). Algorithms developed to predict the effect of missense changes on protein structure and function (SIFT, PolyPhen-2, Align-GVGD) all suggest that this variant is likely to be tolerated. In summary, the available evidence is currently insufficient to determine the role of this variant in disease. Therefore, it has been classified as a Variant of Uncertain Significance. This variant has not been reported in the literature in individuals affected with IL17RC-related conditions. This sequence change replaces arginine, which is basic and polar, with serine, which is neutral and polar, at codon 366 of the IL17RC protein (p.Arg366Ser). This variant is not present in population databases (gnomAD no frequency).